The following is an entry in ClinVar:

ClinVar aggregate classification (germline): Uncertain significance (0 of 4 stars; one submission).

Conditions:
MYH3-related disorder. Also called: MYH3-Related Disorders; MYH3-related condition. Identifiers: MedGen CN239329.

Submission:

PreventionGenetics, part of Exact Sciences
Classification: Uncertain significance for MYH3-related condition. Last evaluated: 2024-06-26. Review status: no assertion criteria provided. Collection method: clinical testing. Allele origin: germline.
Comment: The MYH3 c.2194C>G variant is predicted to result in the amino acid substitution p.Pro732Ala. To our knowledge, this variant has not been reported in the literature or in a large population database, indicating this variant is rare. At this time, the clinical significance of this variant is uncertain due to the absence of conclusive functional and genetic evidence.

NM_002470.4(MYH3):c.2194C>G (p.Pro732Ala)

Gene: MYH3 (myosin heavy chain 3; minus strand). Cytogenetic location: 17p13.1.
Variant type: single nucleotide variant.
Coding change: c.2194C>G on transcript NM_002470.4 (MANE Select); coding-DNA position 2194, C replaced by G.
Protein change: p.Pro732Ala; replaces proline 732 with alanine.
Molecular consequence: missense variant.
Genome position (GRCh38, 1-based): chr17:10,640,658, G>C on the plus strand (C>G on the coding strand, the complement: MYH3 is on the minus strand). VCF-style: chr17-10640658-G-C. GRCh37 (hg19) VCF-style: chr17-10543975-G-C.
Other names: short protein forms P732A.
Identifiers: ClinVar variation 3347864 (VCV003347864.1).